The following is an entry in ClinVar:

NM_198253.3(TERT):c.2254C>G (p.His752Asp)

Gene: TERT (telomerase reverse transcriptase; minus strand). Cytogenetic location: 5p15.33.
Variant type: single nucleotide variant.
Coding change: c.2254C>G on transcript NM_198253.3 (MANE Select); coding-DNA position 2254, C replaced by G.
Protein change: p.His752Asp; replaces histidine 752 with aspartic acid.
Molecular consequence: missense variant. On other transcripts: non-coding transcript variant (2).
Genome position (GRCh38, 1-based): chr5:1,278,673, G>C on the plus strand (C>G on the coding strand, the complement: TERT is on the minus strand). VCF-style: chr5-1278673-G-C. GRCh37 (hg19) VCF-style: chr5-1278788-G-C.
Other names: c.2254C>G, p.His752Asp (NM_001193376.3, NM_003219.1); short protein forms H752D.
Identifiers: ClinVar variation 3238547 (VCV003238547.1), dbSNP rs2478267781.

ClinVar aggregate classification (germline): Uncertain significance (1 of 4 stars; one submission).

Conditions:
Dyskeratosis congenita. Identifiers: Orphanet 1775, MedGen C0265965, MONDO:0015780.

Submission:

Ambry Genetics
Classification: Uncertain significance for Dyskeratosis congenita. Last evaluated: 2024-02-18. Review status: criteria provided, single submitter. Criteria: Ambry Variant Classification Scheme 2023. Collection method: clinical testing. Allele origin: germline.
Comment: The p.H752D variant (also known as c.2254C>G), located in coding exon 6 of the TERT gene, results from a C to G substitution at nucleotide position 2254. The histidine at codon 752 is replaced by aspartic acid, an amino acid with similar properties. This amino acid position is conserved. In addition, this alteration is predicted to be tolerated by in silico analysis. Based on the available evidence, the clinical significance of this alteration remains unclear.